The following is an entry in ClinVar:

ClinVar aggregate classification (germline): Uncertain significance (1 of 4 stars; one submission).

Conditions:
Neurodevelopmental disorder. Identifiers: MedGen C1535926, MeSH D065886, MONDO:0700092.

Submission:

Dasa
Classification: Uncertain significance for neurodevelopmental disorder. Last evaluated: 2025-12-19. Review status: criteria provided, single submitter. Criteria: DASA Assertion Criteria. Collection method: clinical testing. Allele origin: germline.
Comment: NM_001281775.3(ZMYND8):c.1427C>G (p.Ser476Trp) is a missense variant that results in the substitution of serine with tryptophan. This variant is rare in population databases. The currently available literature and clinical evidence are not sufficient to establish a definitive association between this variant and the reported condition. Therefore, this variant is classified as a variant of uncertain significance.

NM_001281775.3(ZMYND8):c.1427C>G (p.Ser476Trp)

Gene: ZMYND8 (zinc finger MYND-type containing 8; minus strand). Cytogenetic location: 20q13.12.
Variant type: single nucleotide variant.
Coding change: c.1427C>G on transcript NM_001281775.3 (MANE Select); coding-DNA position 1427, C replaced by G.
Protein change: p.Ser476Trp; replaces serine 476 with tryptophan.
Molecular consequence: missense variant.
Genome position (GRCh38, 1-based): chr20:47,276,367, G>C on the plus strand (C>G on the coding strand, the complement: ZMYND8 is on the minus strand). VCF-style: chr20-47276367-G-C. GRCh37 (hg19) VCF-style: chr20-45905111-G-C.
Other names: c.623C>G, p.Ser208Trp (NM_001281780.3, NM_001281779.3); c.1352C>G, p.Ser451Trp (NM_001281781.3, NM_001281782.3, NM_001281784.3 and 4 more transcripts); c.1427C>G, p.Ser476Trp (NM_001281783.3, NM_012408.6, NM_183047.4 and 1 more transcripts); c.1448C>G, p.Ser483Trp (NM_001363714.1); c.1367C>G, p.Ser456Trp (NM_001363741.2, NM_001281772.3, NM_001281773.3 and 1 more transcripts); short protein forms S208W, S451W, S456W, S476W, S483W.
Identifiers: ClinVar variation 4883723 (VCV004883723.2).
Genomic context (GRCh38, chr20:47,276,367, plus strand): 5'-AGCTGACCTGTGCTCTTATCCAGGAAGTCCATGGACTCCTCGCTCGCACTGAAGTGGCTC[G>C]ACGTGGCCTTCTTCTCAGCATCCTGCTCCACGTCGGAGCCCGTGTGCACAGAAGAGTTTG-3'
Protein context (NP_001268704.1, residues 466-486): VEQDAEKKAT[Ser476Trp]SHFSASEESM